The following is an entry in ClinVar:

NM_014845.6(FIG4):c.1949-10T>G

Gene: FIG4 (FIG4 phosphoinositide 5-phosphatase; plus strand). Cytogenetic location: 6q21.
Variant type: single nucleotide variant.
Coding change: c.1949-10T>G on transcript NM_014845.6 (MANE Select); 10 bases into the intron before coding-DNA position 1949, T replaced by G.
Molecular consequence: intron variant.
Genome position (GRCh38, 1-based): chr6:109,786,292, T>G. VCF-style: chr6-109786292-T-G. GRCh37 (hg19) VCF-style: chr6-110107495-T-G.
Identifiers: ClinVar variation 916874 (VCV000916874.32), dbSNP rs896444437, ClinGen allele CA145177565.

ClinVar aggregate classification (germline): Pathogenic/Likely pathogenic. Review status: criteria provided, multiple submitters, no conflicts (2 of 4 stars). 4 submissions from 4 submitters: Pathogenic (1); Likely pathogenic (3). Last evaluated 2024-10-21.

Conditions:
Charcot-Marie-Tooth disease type 4. Also called: Charcot-Marie-Tooth disease, type IV; Charcot-Marie-Tooth, Type 4. Identifiers: Orphanet 64749, MedGen C4082197, MONDO:0018995.
Charcot-Marie-Tooth disease. Also called: Charcot-Marie-Tooth Neuropathy; Charcot-Marie-Tooth Hereditary Neuropathy. Identifiers: Orphanet 166, MedGen C0007959, MONDO:0015626.

Allele frequency attached by ClinVar (database versions not stated): gnomAD 0.00001; gnomAD exomes 0.00001 and 0.00002.
gnomAD v4.1: 12 of 1,607,568 alleles (0.00075%); highest among the groups gnomAD compares: Non-Finnish European, 0.001%; no homozygotes.

Submissions (4):

Labcorp Genetics (formerly Invitae), Labcorp
Classification: Pathogenic for Charcot-Marie-Tooth disease type 4. Last evaluated: 2024-10-21. Review status: criteria provided, single submitter. Criteria: Invitae Variant Classification Sherloc (09022015). Collection method: clinical testing. Allele origin: germline.
Comment: This sequence change falls in intron 17 of the FIG4 gene. It does not directly change the encoded amino acid sequence of the FIG4 protein. RNA analysis indicates that this variant induces altered splicing and may result in an absent or altered protein product. This variant is present in population databases (no rsID available, gnomAD 0.004%). This variant has been observed in individual(s) with Charcot-Marie-Tooth disease (internal data). In at least one individual the data is consistent with being in trans (on the opposite chromosome) from a pathogenic variant. It has also been observed to segregate with disease in related individuals. ClinVar contains an entry for this variant (Variation ID: 916874). Studies have shown that this variant results in skipping of exon 18, and produces a non-functional protein and/or introduces a premature termination codon (PMID: 29518270). For these reasons, this variant has been classified as Pathogenic.

Molecular Genetics Laboratory, London Health Sciences Centre
Classification: Likely pathogenic for Charcot-Marie-Tooth disease. Last evaluated: 2024-08-21. Review status: criteria provided, single submitter. Criteria: ACMG Guidelines, 2015. Collection method: clinical testing. Allele origin: germline. Inheritance: Autosomal recessive inheritance. Affected: yes.

CeGaT Center for Human Genetics Tuebingen
Classification: Likely pathogenic. Last evaluated: 2023-12-01. Review status: criteria provided, single submitter. Criteria: CeGaT Center For Human Genetics Tuebingen Variant Classification Criteria Version 2. Collection method: clinical testing. Allele origin: germline. Affected: yes. Observed: 1 variant allele.
Comment: FIG4: PM2, PM3, PP4, PS3:Supporting

Centre of Medical Genetics, University Hospital Muenster
Classification: Likely pathogenic. Last evaluated: 2022-08-22. Review status: criteria provided, single submitter. Criteria: ACMG Guidelines, 2015. Collection method: clinical testing. Allele origin: unknown. Affected: yes. Observed: 1 variant allele, 1 homozygote.
Comment: ACMG categories: PS3,PM2,PP3,PP5

Literature cited by the submitters: PubMed 29518270 (cited by Labcorp Genetics (formerly Invitae), Labcorp and Molecular Genetics Laboratory, London Health Sciences Centre); PubMed 28859335 (cited by Molecular Genetics Laboratory, London Health Sciences Centre).